The following is an entry in ClinVar:

ClinVar aggregate classification (germline): Benign (0 of 4 stars; one submission).

Conditions:
DAZL-related disorder. Also called: DAZL-related condition.

Allele frequency attached by ClinVar (database versions not stated): 1000 Genomes Project 0.06809; 1000 Genomes Project 30x 0.06964; TOPMed 0.09203; gnomAD 0.09915; ESP Exome Variant Server 0.09943; ExAC 0.10837.
gnomAD v4.1: 195,613 of 1,593,758 alleles (12%); highest among the groups gnomAD compares: Non-Finnish European, 14%; 13,386 homozygotes.

Submission:

PreventionGenetics, part of Exact Sciences
Classification: Benign for DAZL-related condition. Last evaluated: 2019-10-31. Review status: no assertion criteria provided. Collection method: clinical testing. Allele origin: germline.
Comment: This variant is classified as benign based on ACMG/AMP sequence variant interpretation guidelines (Richards et al. 2015 PMID: 25741868, with internal and published modifications).

NM_001351.4(DAZL):c.34A>G (p.Thr12Ala)

Gene: DAZL (deleted in azoospermia like; minus strand). Cytogenetic location: 3p24.3.
Variant type: single nucleotide variant.
Coding change: c.34A>G on transcript NM_001351.4 (MANE Select); coding-DNA position 34, A replaced by G.
Protein change: p.Thr12Ala; replaces threonine 12 with alanine.
Molecular consequence: missense variant.
Genome position (GRCh38, 1-based): chr3:16,598,568, T>C on the plus strand (A>G on the coding strand, the complement: DAZL is on the minus strand). VCF-style: chr3-16598568-T-C. GRCh37 (hg19) VCF-style: chr3-16640075-T-C.
Other names: c.94A>G, p.Thr32Ala (NM_001190811.2); short protein forms T12A, T32A.
Identifiers: ClinVar variation 3060713 (VCV003060713.2), dbSNP rs11710967, ClinGen allele CA2280456.